The following is an entry in ClinVar:

ClinVar aggregate classification (germline): Uncertain significance (1 of 4 stars; one submission).

Submission:

GeneDx
Classification: Uncertain significance. Last evaluated: 2024-01-19. Review status: criteria provided, single submitter. Criteria: GeneDx Variant Classification Process June 2021. Collection method: clinical testing. Allele origin: germline. Affected: yes.
Comment: Not observed at significant frequency in large population cohorts (gnomAD); In silico analysis supports a deleterious effect on splicing; Has not been previously published as pathogenic or benign to our knowledge

NM_000520.6(HEXA):c.924C>A (p.Val308=)

Gene: HEXA (hexosaminidase subunit alpha; minus strand). Cytogenetic location: 15q23.
Variant type: single nucleotide variant.
Coding change: c.924C>A on transcript NM_000520.6 (MANE Select); coding-DNA position 924, C replaced by A.
Protein change: p.Val308=; no amino-acid change (valine 308 retained).
Molecular consequence: synonymous variant. On other transcripts: non-coding transcript variant (1).
Genome position (GRCh38, 1-based): chr15:72,349,141, G>T on the plus strand (C>A on the coding strand, the complement: HEXA is on the minus strand). VCF-style: chr15-72349141-G-T. GRCh37 (hg19) VCF-style: chr15-72641482-G-T.
Other names: c.957C>A, p.Val319= (NM_001318825.2).
Identifiers: ClinVar variation 3367740 (VCV003367740.1).